The following is an entry in ClinVar:

ClinVar aggregate classification (germline): Uncertain significance. Review status: criteria provided, multiple submitters, no conflicts (2 of 4 stars). 3 submissions from 3 submitters: Uncertain significance (2). 1 of the submissions does not count toward it. Last evaluated 2022-06-07.

Conditions:
Hereditary cancer-predisposing syndrome. Also called: Hereditary neoplastic syndrome; Tumor predisposition; Hereditary Cancer Syndrome; Neoplastic Syndromes, Hereditary. Identifiers: Orphanet 140162, MedGen C0027672, MeSH D009386, MONDO:0015356.
Fanconi anemia (FA). Also called: Fanconi's anemia. Identifiers: Orphanet 84, MedGen C0015625, MeSH D005199, MONDO:0019391.
Fanconi anemia complementation group C (FANCC). Also called: FANCC-Related Fanconi Anemia; Fanconi anemia, group C; FANCONI PANCYTOPENIA, TYPE 3; FACC. Identifiers: Orphanet 84, MedGen C3468041, MONDO:0009213, OMIM 227645.

Allele frequency attached by ClinVar (database versions not stated): gnomAD exomes below 0.00001 and 0.00001; TOPMed below 0.00001; ExAC 0.00001.
gnomAD v4.1: 11 of 1,613,448 alleles (0.00068%); highest among the groups gnomAD compares: South Asian, 0.011%; no homozygotes.

Submissions (3):

Ambry Genetics
Classification: Uncertain significance for Hereditary cancer-predisposing syndrome. Last evaluated: 2022-06-07. Review status: criteria provided, single submitter. Criteria: Ambry Variant Classification Scheme 2023. Collection method: clinical testing. Allele origin: germline.
Comment: The p.K331R variant (also known as c.992A>G), located in coding exon 9 of the FANCC gene, results from an A to G substitution at nucleotide position 992. The lysine at codon 331 is replaced by arginine, an amino acid with highly similar properties. This amino acid position is conserved. In addition, this alteration is predicted to be tolerated by in silico analysis. Since supporting evidence is limited at this time, the clinical significance of this alteration remains unclear.

Labcorp Genetics (formerly Invitae), Labcorp
Classification: Uncertain significance for Fanconi anemia. Last evaluated: 2021-12-12. Review status: criteria provided, single submitter. Criteria: Invitae Variant Classification Sherloc (09022015). Collection method: clinical testing. Allele origin: germline.
Comment: This sequence change replaces lysine, which is basic and polar, with arginine, which is basic and polar, at codon 331 of the FANCC protein (p.Lys331Arg). This variant is present in population databases (rs756408779, gnomAD 0.003%). This variant has not been reported in the literature in individuals affected with FANCC-related conditions. ClinVar contains an entry for this variant (Variation ID: 220360). Algorithms developed to predict the effect of missense changes on protein structure and function (SIFT, PolyPhen-2, Align-GVGD) all suggest that this variant is likely to be tolerated. In summary, the available evidence is currently insufficient to determine the role of this variant in disease. Therefore, it has been classified as a Variant of Uncertain Significance.

Natera, Inc.
Classification: Uncertain significance for Fanconi anemia, group C. Last evaluated: 2020-09-16. Review status: no assertion criteria provided. Collection method: clinical testing. Allele origin: germline. Not counted in ClinVar's aggregate classification.

NM_000136.3(FANCC):c.992A>G (p.Lys331Arg)

Genes: FANCC (FA complementation group C; minus strand), AOPEP (aminopeptidase O (putative); plus strand). Cytogenetic location: 9q22.32.
Variant type: single nucleotide variant.
Coding change: c.992A>G on transcript NM_000136.3 (MANE Select); coding-DNA position 992, A replaced by G.
Protein change: p.Lys331Arg; replaces lysine 331 with arginine.
Molecular consequence: missense variant.
Genome position (GRCh38, 1-based): chr9:95,125,090, T>C on the plus strand (A>G on the coding strand, the complement: FANCC is on the minus strand). VCF-style: chr9-95125090-T-C. GRCh37 (hg19) VCF-style: chr9-97887372-T-C.
Other names: c.992A>G, p.Lys331Arg (NM_001243743.2, NM_001243744.2); short protein forms K331R.
Identifiers: ClinVar variation 220360 (VCV000220360.7), dbSNP rs756408779, ClinGen allele CA348026.
Genomic context (GRCh38, chr9:95,125,090, plus strand): 5'-TCTCAACAGCGTCTTATTCTCTGGGATGAATGAGTAATATATGTGATATAACAAACCTGC[T>C]TGCTTGCTTTCTCCAGAGCTTCTACAAAGCACTGCGTAAACACCTGAATAGTGGCTATGA-3'
Protein context (NP_000127.2, residues 321-341): CFVEALEKAS[Lys331Arg]QLRFALKTYF